The following is an entry in ClinVar:

NM_004484.4(GPC3):c.612C>A (p.Asp204Glu)

Gene: GPC3 (glypican 3; minus strand). Cytogenetic location: Xq26.2.
Variant type: single nucleotide variant.
Coding change: c.612C>A on transcript NM_004484.4 (MANE Select); coding-DNA position 612, C replaced by A.
Protein change: p.Asp204Glu; replaces aspartic acid 204 with glutamic acid.
Molecular consequence: missense variant.
Genome position (GRCh38, 1-based): chrX:133,753,902, G>T on the plus strand (C>A on the coding strand, the complement: GPC3 is on the minus strand). VCF-style: chrX-133753902-G-T. GRCh37 (hg19) VCF-style: chrX-132887929-G-T.
Other names: c.612C>A, p.Asp204Glu (NM_001164617.2); c.564C>A, p.Asp188Glu (NM_001164618.2); c.450C>A, p.Asp150Glu (NM_001164619.2); short protein forms D150E, D204E, D188E.
Identifiers: ClinVar variation 934376 (VCV000934376.10), dbSNP rs2071697475, ClinGen allele CA414706246.
Genomic context (GRCh38, chrX:133,753,902, plus strand): 5'-TTGCAGTGACTTGGAAACCTGGGTCATAATAAGCTTGGGGAAATTCCCAAATACTTTCAG[G>T]TCACGTCTTGCTCCTCGGAGGCACTCATTGATGTCCAAGGCTGAATCAGGCAGGCCTGGG-3'
Protein context (NP_004475.1, residues 194-214): INECLRGARR[Asp204Glu]LKVFGNFPKL

ClinVar aggregate classification (germline): Uncertain significance (1 of 4 stars; one submission).

Conditions:
Wilms tumor 1 (WT1). Also called: Wilms tumor, somatic. Identifiers: Orphanet 654, MedGen CN033288, MONDO:0008679, OMIM 194070.

Submission:

Labcorp Genetics (formerly Invitae), Labcorp
Classification: Uncertain significance for Wilms tumor 1. Last evaluated: 2022-07-06. Review status: criteria provided, single submitter. Criteria: Invitae Variant Classification Sherloc (09022015). Collection method: clinical testing. Allele origin: germline.
Comment: This sequence change replaces aspartic acid, which is acidic and polar, with glutamic acid, which is acidic and polar, at codon 204 of the GPC3 protein (p.Asp204Glu). In summary, the available evidence is currently insufficient to determine the role of this variant in disease. Therefore, it has been classified as a Variant of Uncertain Significance. Algorithms developed to predict the effect of missense changes on protein structure and function are either unavailable or do not agree on the potential impact of this missense change (SIFT: "Tolerated"; PolyPhen-2: "Possibly Damaging"; Align-GVGD: "Class C0"). ClinVar contains an entry for this variant (Variation ID: 934376). This variant has not been reported in the literature in individuals affected with GPC3-related conditions. This variant is not present in population databases (gnomAD no frequency).